The following is an entry in ClinVar:

NM_000257.4(MYH7):c.2907C>T (p.His969=)

Gene: MYH7 (myosin heavy chain 7; minus strand). Cytogenetic location: 14q11.2.
Variant type: single nucleotide variant.
Coding change: c.2907C>T on transcript NM_000257.4 (MANE Select); coding-DNA position 2907, C replaced by T.
Protein change: p.His969=; no amino-acid change (histidine 969 retained).
Molecular consequence: synonymous variant.
Genome position (GRCh38, 1-based): chr14:23,423,922, G>A on the plus strand (C>T on the coding strand, the complement: MYH7 is on the minus strand). VCF-style: chr14-23423922-G-A. GRCh37 (hg19) VCF-style: chr14-23893131-G-A.
Other names: p.H969H:CAC>CAT; NM_000257.3(MYH7):c.2907C>T.
Identifiers: ClinVar variation 42939 (VCV000042939.26), dbSNP rs142573531, ClinGen allele CA013197.

ClinVar aggregate classification (germline): Benign. Review status: reviewed by expert panel (3 of 4 stars). 11 submissions from 11 submitters: Benign (1). 10 of the submissions do not count toward it. Last evaluated 2025-11-11.

Conditions:
MYH7-related disorder. Also called: MYH7-related disorders; MYH7-related condition; MYH7-related disease.
Cardiovascular phenotype. Identifiers: MedGen CN230736.
Cardiomyopathy (CMYO). Also called: Cardiomyopathies. Identifiers: Orphanet 167848, MedGen C0878544, MONDO:0004994, HP:0001638. Inheritance: Various modes of inheritance.
Hypertrophic cardiomyopathy. Also called: HYPERTROPHIC MYOCARDIOPATHY. Identifiers: Orphanet 217569, MedGen C0007194, MeSH D002312, MONDO:0005045, HP:0001639.

Allele frequency attached by ClinVar (database versions not stated): gnomAD 0.00049 and 0.00048; 1000 Genomes Project 30x 0.00172; gnomAD exomes 0.00006 and 0.00016; 1000 Genomes Project 0.00160; ExAC 0.00023; TOPMed 0.00062; ESP Exome Variant Server 0.00085.
gnomAD v4.1: 172 of 1,614,072 alleles (0.011%); highest among the groups gnomAD compares: African/African-American, 0.14%; no homozygotes.

Submissions (11):

ClinGen Cardiomyopathy Variant Curation Expert Panel
Classification: Benign for Hypertrophic cardiomyopathy. Last evaluated: 2025-11-11. Review status: reviewed by expert panel. Criteria: ClinGen CMP ACMG Specifications v1. Collection method: curation. Allele origin: germline. Inheritance: Autosomal dominant inheritance.
Comment: The filtering allele frequency of the c.2907C>T (p.His969=) variant in the MYH7 gene is 0.15% (23/10406) of African chromosomes by the Exome Aggregation Consortium, which is a high enough frequency to be classified as benign based on thresholds defined by the ClinGen Inherited Cardiomyopathy Expert Panel (BA1; PMID:29300372).

CeGaT Center for Human Genetics Tuebingen
Classification: Likely benign. Last evaluated: 2026-08-01. Review status: criteria provided, single submitter. Criteria: CeGaT Center For Human Genetics Tuebingen Variant Classification Criteria Version 2. Collection method: clinical testing. Allele origin: germline. Affected: yes. Observed: 1 variant allele. Not counted in ClinVar's aggregate classification.
Comment: MYH7: BP4, BP7

Labcorp Genetics (formerly Invitae), Labcorp
Classification: Benign for Hypertrophic cardiomyopathy. Last evaluated: 2026-01-28. Review status: criteria provided, single submitter. Criteria: Invitae Variant Classification Sherloc (09022015). Collection method: clinical testing. Allele origin: germline. Not counted in ClinVar's aggregate classification.

Blueprint Genetics
Classification: Likely benign. Last evaluated: 2024-05-09. Review status: criteria provided, single submitter. Criteria: ACMG Guidelines, 2015. Collection method: clinical testing. Allele origin: germline. Not counted in ClinVar's aggregate classification.

All of Us Research Program, National Institutes of Health
Classification: Benign for Cardiomyopathy. Last evaluated: 2024-02-05. Review status: criteria provided, single submitter. Criteria: ACMG Guidelines, 2015. Collection method: clinical testing. Allele origin: germline. Inheritance: Autosomal dominant inheritance. Observed: 47 variant alleles, 47 heterozygotes. Not counted in ClinVar's aggregate classification.
Comment: This study involves interpretation of variants in research participants for the purpose of population health screening. Participant phenotype was not available at the time of variant classification. Additional details can be found in publication PMID: 35346344, PMCID: PMC8962531

Women's Health and Genetics/Laboratory Corporation of America, LabCorp
Classification: Likely benign. Last evaluated: 2021-02-28. Review status: criteria provided, single submitter. Criteria: LabCorp Variant Classification Summary - May 2015. Collection method: clinical testing. Allele origin: germline. Not counted in ClinVar's aggregate classification.

Color Diagnostics, LLC DBA Color Health
Classification: Benign for Cardiomyopathy. Last evaluated: 2018-12-01. Review status: criteria provided, single submitter. Criteria: ACMG Guidelines, 2015. Collection method: clinical testing. Allele origin: germline. Not counted in ClinVar's aggregate classification.

Ambry Genetics
Classification: Likely benign for Cardiovascular phenotype. Last evaluated: 2016-06-16. Review status: criteria provided, single submitter. Criteria: Ambry Variant Classification Scheme 2023. Collection method: clinical testing. Allele origin: germline. Not counted in ClinVar's aggregate classification.

GeneDx
Classification: Benign. Last evaluated: 2014-03-25. Review status: criteria provided, single submitter. Criteria: GeneDx Variant Classification (06012015). Collection method: clinical testing. Allele origin: germline. Affected: yes. Not counted in ClinVar's aggregate classification.
Comment: This variant is considered likely benign or benign based on one or more of the following criteria: it is a conservative change, it occurs at a poorly conserved position in the protein, it is predicted to be benign by multiple in silico algorithms, and/or has population frequency not consistent with disease.

Laboratory for Molecular Medicine, Mass General Brigham Personalized Medicine
Classification: Likely benign. Last evaluated: 2008-03-01. Review status: criteria provided, single submitter. Criteria: LMM Criteria. Collection method: clinical testing. Allele origin: germline. Observed: 4 variant alleles. Not counted in ClinVar's aggregate classification.
Comment: p.His969His in exon 23 of MYH7: This variant is not expected to have clinical si gnificance because it does not alter an amino acid residue and is not located wi thin the splice consensus sequence. It has been identified in 0.2% (23/10406) of African chromosomes by the Exome Aggregation Consortium (ExAC; dbSNP rs142573631).

PreventionGenetics, part of Exact Sciences
Classification: Likely benign for MYH7-related condition. Last evaluated: 2020-01-30. Review status: no assertion criteria provided. Collection method: clinical testing. Allele origin: germline. Not counted in ClinVar's aggregate classification.
Comment: This variant is classified as likely benign based on ACMG/AMP sequence variant interpretation guidelines (Richards et al. 2015 PMID: 25741868, with internal and published modifications).

Literature cited by the submitters: PubMed 29300372 (cited by ClinGen Cardiomyopathy Variant Curation Expert Panel).